The following is an entry in ClinVar:

NM_015693.4(INTU):c.1735A>G (p.Thr579Ala)

Gene: INTU (inturned planar cell polarity protein; plus strand). Cytogenetic location: 4q28.1.
Variant type: single nucleotide variant.
Coding change: c.1735A>G on transcript NM_015693.4 (MANE Select); coding-DNA position 1735, A replaced by G.
Protein change: p.Thr579Ala; replaces threonine 579 with alanine.
Molecular consequence: missense variant.
Genome position (GRCh38, 1-based): chr4:127,705,759, A>G. VCF-style: chr4-127705759-A-G. GRCh37 (hg19) VCF-style: chr4-128626914-A-G.
Other names: short protein forms T579A.
Identifiers: ClinVar variation 4702295 (VCV004702295.1).
Genomic context (GRCh38, chr4:127,705,759, plus strand): 5'-TTGATCATATGGAGAGAAGTGTTTCCTCAGCATCACCTCCGACCTTTGGCAGACTCAAGC[A>G]CTGAAGTCTTTCCGGAACCTGAAGGAAGATATTTTTTGCTAGTTGTTGGCTTGGTAAGTT-3'
Protein context (NP_056508.2, residues 569-589): HHLRPLADSS[Thr579Ala]EVFPEPEGRY

ClinVar aggregate classification (germline): Uncertain significance (1 of 4 stars; one submission).

gnomAD v4.1: 6 of 1,614,090 alleles (0.00037%); highest among the groups gnomAD compares: Admixed American, 0.0017%; no homozygotes.

Submission:

Labcorp Genetics (formerly Invitae), Labcorp
Classification: Uncertain significance. Last evaluated: 2025-07-20. Review status: criteria provided, single submitter. Criteria: Invitae Variant Classification Sherloc (09022015). Collection method: clinical testing. Allele origin: germline.
Comment: This sequence change replaces threonine, which is neutral and polar, with alanine, which is neutral and non-polar, at codon 579 of the INTU protein (p.Thr579Ala). This variant is present in population databases (rs755278340, gnomAD 0.003%). This variant has not been reported in the literature in individuals affected with INTU-related conditions. Invitae Evidence Modeling of protein sequence and biophysical properties (such as structural, functional, and spatial information, amino acid conservation, physicochemical variation, residue mobility, and thermodynamic stability) indicates that this missense variant is not expected to disrupt INTU protein function with a negative predictive value of 80%. In summary, the available evidence is currently insufficient to determine the role of this variant in disease. Therefore, it has been classified as a Variant of Uncertain Significance.